The following is an entry in ClinVar:

ClinVar aggregate classification (germline): Uncertain significance (1 of 4 stars; one submission).

Submission:

GeneDx
Classification: Uncertain significance. Last evaluated: 2025-03-21. Review status: criteria provided, single submitter. Criteria: GeneDx Variant Classification Process June 2021. Collection method: clinical testing. Allele origin: germline. Affected: yes.
Comment: Not observed at significant frequency in large population cohorts (gnomAD); In silico analysis indicates that this missense variant does not alter protein structure/function; Has not been previously published as pathogenic or benign to our knowledge

NM_004973.4(JARID2):c.135G>C (p.Lys45Asn)

Gene: JARID2 (jumonji and AT-rich interaction domain containing 2; plus strand). Cytogenetic location: 6p22.3.
Variant type: single nucleotide variant.
Coding change: c.135G>C on transcript NM_004973.4 (MANE Select); coding-DNA position 135, G replaced by C.
Protein change: p.Lys45Asn; replaces lysine 45 with asparagine.
Molecular consequence: missense variant. On other transcripts: 5 prime UTR variant (1).
Genome position (GRCh38, 1-based): chr6:15,374,206, G>C. VCF-style: chr6-15374206-G-C. GRCh37 (hg19) VCF-style: chr6-15374437-G-C.
Other names: c.-382G>C (NM_001267040.1); short protein forms K45N.
Identifiers: ClinVar variation 4086406 (VCV004086406.1).